The following is an entry in ClinVar:

NM_172364.5(CACNA2D4):c.1711C>T (p.Arg571Trp)

Gene: CACNA2D4 (calcium voltage-gated channel auxiliary subunit alpha2delta 4; minus strand). Cytogenetic location: 12p13.33.
Variant type: single nucleotide variant.
Coding change: c.1711C>T on transcript NM_172364.5 (MANE Select); coding-DNA position 1711, C replaced by T.
Protein change: p.Arg571Trp; replaces arginine 571 with tryptophan.
Molecular consequence: missense variant.
Genome position (GRCh38, 1-based): chr12:1,878,323, G>A on the plus strand (C>T on the coding strand, the complement: CACNA2D4 is on the minus strand). VCF-style: chr12-1878323-G-A. GRCh37 (hg19) VCF-style: chr12-1987489-G-A.
Other names: short protein forms R571W.
Identifiers: ClinVar variation 307857 (VCV000307857.16), dbSNP rs376257275, ClinGen allele CA6387029.

ClinVar aggregate classification (germline): Uncertain significance. Review status: criteria provided, multiple submitters, no conflicts (2 of 4 stars). 4 submissions from 4 submitters: Uncertain significance (4). Last evaluated 2025-09-29.

Conditions:
Inborn genetic diseases. Identifiers: MedGen C0950123, MeSH D030342.
Retinal cone dystrophy 4 (RCD4). Identifiers: Orphanet 1872, MedGen C1864849, MONDO:0012507, OMIM 610478.

Allele frequency attached by ClinVar (database versions not stated): gnomAD 0.00002 and 0.00004; TOPMed 0.00002; gnomAD exomes 0.00003 and 0.00004; ExAC 0.00012; 1000 Genomes Project 30x 0.00031; 1000 Genomes Project 0.00040.
gnomAD v4.1: 49 of 1,609,274 alleles (0.003%); highest among the groups gnomAD compares: South Asian, 0.021%; no homozygotes.

Submissions (4):

Ambry Genetics
Classification: Uncertain significance for Inborn genetic diseases. Last evaluated: 2025-09-29. Review status: criteria provided, single submitter. Criteria: Ambry Variant Classification Scheme 2023. Collection method: clinical testing. Allele origin: germline.

Labcorp Genetics (formerly Invitae), Labcorp
Classification: Uncertain significance. Last evaluated: 2024-10-09. Review status: criteria provided, single submitter. Criteria: Invitae Variant Classification Sherloc (09022015). Collection method: clinical testing. Allele origin: germline.
Comment: This sequence change replaces arginine, which is basic and polar, with tryptophan, which is neutral and slightly polar, at codon 571 of the CACNA2D4 protein (p.Arg571Trp). The frequency data for this variant in the population databases is considered unreliable, as metrics indicate poor data quality at this position in the gnomAD database. This variant has not been reported in the literature in individuals affected with CACNA2D4-related conditions. ClinVar contains an entry for this variant (Variation ID: 307857). An algorithm developed to predict the effect of missense changes on protein structure and function (PolyPhen-2) suggests that this variant is likely to be disruptive. In summary, the available evidence is currently insufficient to determine the role of this variant in disease. Therefore, it has been classified as a Variant of Uncertain Significance.

Blueprint Genetics
Classification: Uncertain significance. Last evaluated: 2022-03-05. Review status: criteria provided, single submitter. Criteria: ACMG Guidelines, 2015. Collection method: clinical testing. Allele origin: germline.

Illumina Laboratory Services, Illumina
Classification: Uncertain significance for Retinal cone dystrophy 4. Last evaluated: 2018-01-13. Review status: criteria provided, single submitter. Criteria: ICSL Variant Classification Criteria 13 December 2019. Collection method: clinical testing. Allele origin: germline.